The following is an entry in ClinVar:

NM_021831.6(AGBL5):c.1628C>T (p.Pro543Leu)

Gene: AGBL5 (AGBL carboxypeptidase 5; plus strand). Cytogenetic location: 2p23.3.
Variant type: single nucleotide variant.
Coding change: c.1628C>T on transcript NM_021831.6 (MANE Select); coding-DNA position 1628, C replaced by T.
Protein change: p.Pro543Leu; replaces proline 543 with leucine.
Molecular consequence: missense variant. On other transcripts: non-coding transcript variant (2).
Genome position (GRCh38, 1-based): chr2:27,057,395, C>T. VCF-style: chr2-27057395-C-T. GRCh37 (hg19) VCF-style: chr2-27280263-C-T.
Other names: c.1628C>T, p.Pro543Leu (NM_001035507.3); short protein forms P543L.
Identifiers: ClinVar variation 861450 (VCV000861450.12), dbSNP rs747328031, ClinGen allele CA44464926.

ClinVar aggregate classification (germline): Uncertain significance. Review status: criteria provided, multiple submitters, no conflicts (2 of 4 stars). 4 submissions from 4 submitters: Uncertain significance (4). Last evaluated 2025-05-05.

Conditions:
Retinal dystrophy. Also called: Inherited retinal dystrophy. Identifiers: Orphanet 71862, MedGen C0854723, MeSH D058499, MONDO:0019118, HP:0000556.
Inborn genetic diseases. Identifiers: MedGen C0950123, MeSH D030342.

Allele frequency attached by ClinVar (database versions not stated): gnomAD 0.00001; TOPMed 0.00001; gnomAD exomes 0.00002.
gnomAD v4.1: 26 of 1,613,948 alleles (0.0016%); highest among the groups gnomAD compares: Non-Finnish European, 0.002%; no homozygotes.

Submissions (4):

Ambry Genetics
Classification: Uncertain significance for Inborn genetic diseases. Last evaluated: 2025-05-05. Review status: criteria provided, single submitter. Criteria: Ambry Variant Classification Scheme 2023. Collection method: clinical testing. Allele origin: germline.

Dept Of Ophthalmology, Nagoya University
Classification: Uncertain significance for Retinal dystrophy. Last evaluated: 2023-10-01. Review status: criteria provided, single submitter. Criteria: Submitter's publication. Collection method: research. Allele origin: germline. Affected: yes.

Labcorp Genetics (formerly Invitae), Labcorp
Classification: Uncertain significance. Last evaluated: 2019-11-27. Review status: criteria provided, single submitter. Criteria: Invitae Variant Classification Sherloc (09022015). Collection method: clinical testing. Allele origin: germline.
Comment: This variant has not been reported in the literature in individuals with AGBL5-related conditions. This variant is not present in population databases (ExAC no frequency). This sequence change replaces proline with leucine at codon 543 of the AGBL5 protein (p.Pro543Leu). The proline residue is highly conserved and there is a moderate physicochemical difference between proline and leucine. Algorithms developed to predict the effect of missense changes on protein structure and function output the following: SIFT: "Tolerated"; PolyPhen-2: "Benign"; Align-GVGD: "Class C0". The leucine amino acid residue is found in multiple mammalian species, suggesting that this missense change does not adversely affect protein function. These predictions have not been confirmed by published functional studies and their clinical significance is uncertain. In summary, the available evidence is currently insufficient to determine the role of this variant in disease. Therefore, it has been classified as a Variant of Uncertain Significance.

Blueprint Genetics
Classification: Uncertain significance. Last evaluated: 2019-06-26. Review status: criteria provided, single submitter. Criteria: ACMG Guidelines, 2015. Collection method: clinical testing. Allele origin: germline.